The following is an entry in ClinVar:

ClinVar aggregate classification (germline): Likely pathogenic (1 of 4 stars; one submission).

Conditions:
Dilated cardiomyopathy 1G (CMD1G). Identifiers: Orphanet 154, MedGen C1858763, MONDO:0011400, OMIM 604145.
Autosomal recessive limb-girdle muscular dystrophy type 2J (LGMDR10). Also called: MUSCULAR DYSTROPHY, LIMB-GIRDLE, AUTOSOMAL RECESSIVE 10; Limb-girdle muscular dystrophy, type 2J. Identifiers: Orphanet 140922, MedGen C1837342, MONDO:0012127, OMIM 608807.

Submission:

Labcorp Genetics (formerly Invitae), Labcorp
Classification: Likely pathogenic for Dilated cardiomyopathy 1G; Autosomal recessive limb-girdle muscular dystrophy type 2J. Last evaluated: 2022-03-22. Review status: criteria provided, single submitter. Criteria: Invitae Variant Classification Sherloc (09022015). Collection method: clinical testing. Allele origin: germline.
Comment: In summary, the currently available evidence indicates that the variant is pathogenic, but additional data are needed to prove that conclusively. Therefore, this variant has been classified as Likely Pathogenic. This variant is located in the A band of TTN (PMID: 25589632). Truncating variants in this region are significantly overrepresented in patients affected with dilated cardiomyopathy (PMID: 25589632). Truncating variants in this region have also been reported in individuals affected with autosomal recessive centronuclear myopathy (PMID: 23975875). This variant has not been reported in the literature in individuals affected with TTN-related conditions. This variant is not present in population databases (gnomAD no frequency). This sequence change creates a premature translational stop signal (p.Cys16953*) in the TTN gene. While this is not anticipated to result in nonsense mediated decay, it is expected to create a truncated TTN protein.

Literature cited by the submitters: PubMed 25589632; PubMed 23975875.

NM_001267550.2(TTN):c.50859C>A (p.Cys16953Ter)

Genes: TTN (titin; minus strand), TTN-AS1 (TTN antisense RNA 1; plus strand). Cytogenetic location: 2q31.2.
Variant type: single nucleotide variant.
Coding change: c.50859C>A on transcript NM_001267550.2 (MANE Select); coding-DNA position 50859, C replaced by A.
Protein change: p.Cys16953Ter; replaces cysteine 16953 with a stop codon.
Molecular consequence: nonsense.
Genome position (GRCh38, 1-based): chr2:178,611,270, G>T on the plus strand (C>A on the coding strand, the complement: TTN is on the minus strand). VCF-style: chr2-178611270-G-T. GRCh37 (hg19) VCF-style: chr2-179475997-G-T.
Other names: c.45936C>A, p.Cys15312Ter (NM_001256850.1); c.23664C>A, p.Cys7888Ter (NM_003319.4); c.43155C>A, p.Cys14385Ter (NM_133378.4); c.24039C>A, p.Cys8013Ter (NM_133432.3); c.24240C>A, p.Cys8080Ter (NM_133437.4); short protein forms C14385*, C15312*, C7888*, C8013*, C8080*, C16953*.
Identifiers: ClinVar variation 1475565 (VCV001475565.6), dbSNP rs2154199623, ClinGen allele CA349591486.